The following is an entry in ClinVar:

NM_006009.4(TUBA1A):c.436G>T (p.Gly146Cys)

Gene: TUBA1A (tubulin alpha 1a; minus strand). Cytogenetic location: 12q13.12.
Variant type: single nucleotide variant.
Coding change: c.436G>T on transcript NM_006009.4 (MANE Select); coding-DNA position 436, G replaced by T.
Protein change: p.Gly146Cys; replaces glycine 146 with cysteine.
Molecular consequence: missense variant.
Genome position (GRCh38, 1-based): chr12:49,185,930, C>A on the plus strand (G>T on the coding strand, the complement: TUBA1A is on the minus strand). VCF-style: chr12-49185930-C-A. GRCh37 (hg19) VCF-style: chr12-49579713-C-A.
Other names: c.436G>T, p.Gly146Cys (NM_001270399.2); c.331G>T, p.Gly111Cys (NM_001270400.2); short protein forms G111C, G146C.
Identifiers: ClinVar variation 4854510 (VCV004854510.1).

ClinVar aggregate classification (germline): Uncertain significance (1 of 4 stars; one submission).

Conditions:
Lissencephaly due to TUBA1A mutation (CDCBM16). Also called: Lissencephaly 3; CORTICAL DYSPLASIA, COMPLEX, WITH OTHER BRAIN MALFORMATIONS 16. Identifiers: Orphanet 171680, MedGen C4305153, MONDO:0012703, OMIM 611603.

Submission:

3billion
Classification: Uncertain significance for Lissencephaly due to TUBA1A mutation. Last evaluated: 2026-01-22. Review status: criteria provided, single submitter. Criteria: ACMG Guidelines, 2015. Collection method: clinical testing. Allele origin: germline. Affected: yes.
Comment: The variant is not observed in the gnomAD v4.1.0 dataset. Predicted Consequence/Location: Missense variant. Missense changes are a common disease-causing mechanism. In silico tool predictions suggest damaging effect of the variant on gene or gene product [REVEL: 0.93 (>=0.6, sensitivity 0.68 and specificity 0.92); 3Cnet: 0.99 (> 0.75, sensitivity 0.96 and precision 0.92)]. Therefore, this variant is classified as VUS according to the recommendation of ACMG/AMP guideline.